The following is an entry in ClinVar:

NM_018008.4(FEZF2):c.1166A>G (p.Tyr389Cys)

Gene: FEZF2 (FEZ family zinc finger 2; minus strand). Cytogenetic location: 3p14.2.
Variant type: single nucleotide variant.
Coding change: c.1166A>G on transcript NM_018008.4 (MANE Select); coding-DNA position 1166, A replaced by G.
Protein change: p.Tyr389Cys; replaces tyrosine 389 with cysteine.
Molecular consequence: missense variant.
Genome position (GRCh38, 1-based): chr3:62,370,297, T>C on the plus strand (A>G on the coding strand, the complement: FEZF2 is on the minus strand). VCF-style: chr3-62370297-T-C. GRCh37 (hg19) VCF-style: chr3-62355972-T-C.
Other names: short protein forms Y389C.
Identifiers: ClinVar variation 5010002 (VCV005010002.1).

ClinVar aggregate classification (germline): Uncertain significance (1 of 4 stars; one submission).

Submission:

GeneDx
Classification: Uncertain significance. Last evaluated: 2026-02-25. Review status: criteria provided, single submitter. Criteria: GeneDx Variant Classification Process June 2021. Collection method: clinical testing. Allele origin: germline.
Comment: Not observed at significant frequency in large population cohorts (gnomAD); In silico analysis supports that this missense variant has a deleterious effect on protein structure/function; Has not been previously published as pathogenic or benign to our knowledge.